The following is an entry in ClinVar:

ClinVar aggregate classification (germline): Benign. Review status: criteria provided, multiple submitters, no conflicts (2 of 4 stars). 2 submissions from 2 submitters: Benign (2). Last evaluated 2018-06-14.

Allele frequency attached by ClinVar (database versions not stated): gnomAD exomes 0.04540 and 0.05244; ExAC 0.06984; gnomAD 0.09335 and 0.09791; 1000 Genomes Project 0.09445; 1000 Genomes Project 30x 0.09838; ESP Exome Variant Server 0.09941; TOPMed 0.10260.
gnomAD v4.1: 65,381 of 1,265,904 alleles (5.2%); highest among the groups gnomAD compares: African/African-American, 23%; 3,107 homozygotes.

Submissions (2):

GeneDx
Classification: Benign. Last evaluated: 2018-06-14. Review status: criteria provided, single submitter. Criteria: GeneDx Variant Classification (06012015). Collection method: clinical testing. Allele origin: germline. Affected: yes.
Comment: This variant is considered likely benign or benign based on one or more of the following criteria: it is a conservative change, it occurs at a poorly conserved position in the protein, it is predicted to be benign by multiple in silico algorithms, and/or has population frequency not consistent with disease.

Breakthrough Genomics
Classification: Benign. Review status: criteria provided, single submitter. Criteria: ACMG Guidelines, 2015. Collection method: not provided. Allele origin: germline. Inheritance: Autosomal dominant inheritance. Affected: yes.

NM_144573.4(NEXN):c.1251+48T>C

Gene: NEXN (nexilin F-actin binding protein; plus strand). Cytogenetic location: 1p31.1.
Variant type: single nucleotide variant.
Coding change: c.1251+48T>C on transcript NM_144573.4 (MANE Select); 48 bases into the intron after coding-DNA position 1251, T replaced by C.
Molecular consequence: intron variant.
Genome position (GRCh38, 1-based): chr1:77,933,527, T>C. VCF-style: chr1-77933527-T-C. GRCh37 (hg19) VCF-style: chr1-78399212-T-C.
Other names: c.1059+48T>C (NM_001172309.2).
Identifiers: ClinVar variation 671385 (VCV000671385.2), dbSNP rs41312654, ClinGen allele CA918835.